The following is an entry in ClinVar:

ClinVar aggregate classification (germline): Uncertain significance. Review status: criteria provided, multiple submitters, no conflicts (2 of 4 stars). 4 submissions from 4 submitters: Uncertain significance (3). 1 of the submissions does not count toward it. Last evaluated 2025-08-22.

Conditions:
Familial dysautonomia. Also called: HSAN III; FD. Identifiers: Orphanet 1764, MedGen C0013364, MONDO:0009131, OMIM 223900. Disease mechanism: loss of function.
Medulloblastoma (MDB). Also called: MEDULLOBLASTOMA PREDISPOSITION SYNDROME; Medulloblastoma, somatic. Identifiers: Orphanet 616, MedGen C0025149, MeSH D008527, MONDO:0007959, OMIM 155255, HP:0002885.

Allele frequency attached by ClinVar (database versions not stated): gnomAD exomes below 0.00001; ExAC 0.00001.
gnomAD v4.1: 5 of 1,614,216 alleles (0.00031%); highest among the groups gnomAD compares: Non-Finnish European, 0.00042%; no homozygotes.

Submissions (4):

Ambry Genetics
Classification: Uncertain significance. Last evaluated: 2025-08-22. Review status: criteria provided, single submitter. Criteria: Ambry Variant Classification Scheme 2023. Collection method: clinical testing. Allele origin: germline.

Fulgent Genetics
Classification: Uncertain significance for Medulloblastoma; Familial dysautonomia. Last evaluated: 2024-05-16. Review status: criteria provided, single submitter. Criteria: ACMG Guidelines, 2015. Collection method: clinical testing. Allele origin: germline.

Labcorp Genetics (formerly Invitae), Labcorp
Classification: Uncertain significance. Last evaluated: 2021-09-01. Review status: criteria provided, single submitter. Criteria: Invitae Variant Classification Sherloc (09022015). Collection method: clinical testing. Allele origin: germline.
Comment: This sequence change replaces serine with threonine at codon 380 of the ELP1 protein (p.Ser380Thr). The serine residue is moderately conserved and there is a small physicochemical difference between serine and threonine. This variant is present in population databases (rs749865081, ExAC 0.001%). This variant has not been reported in the literature in individuals affected with ELP1-related conditions. Algorithms developed to predict the effect of missense changes on protein structure and function are either unavailable or do not agree on the potential impact of this missense change (SIFT: "Tolerated"; PolyPhen-2: "Probably Damaging"; Align-GVGD: "Class C0"). In summary, the available evidence is currently insufficient to determine the role of this variant in disease. Therefore, it has been classified as a Variant of Uncertain Significance.

Natera, Inc.
Classification: Uncertain significance for Familial dysautonomia. Last evaluated: 2020-02-26. Review status: no assertion criteria provided. Collection method: clinical testing. Allele origin: germline. Not counted in ClinVar's aggregate classification.

NM_003640.5(ELP1):c.1139G>C (p.Ser380Thr)

Gene: ELP1 (elongator acetyltransferase complex subunit 1; minus strand). Cytogenetic location: 9q31.3.
Variant type: single nucleotide variant.
Coding change: c.1139G>C on transcript NM_003640.5 (MANE Select); coding-DNA position 1139, G replaced by C.
Protein change: p.Ser380Thr; replaces serine 380 with threonine.
Molecular consequence: missense variant.
Genome position (GRCh38, 1-based): chr9:108,912,314, C>G on the plus strand (G>C on the coding strand, the complement: ELP1 is on the minus strand). VCF-style: chr9-108912314-C-G. GRCh37 (hg19) VCF-style: chr9-111674594-C-G.
Other names: c.797G>C, p.Ser266Thr (NM_001318360.2); c.92G>C, p.Ser31Thr (NM_001330749.2); short protein forms S266T, S31T, S380T.
Identifiers: ClinVar variation 855296 (VCV000855296.10), dbSNP rs749865081, ClinGen allele CA5175110.